The following is an entry in ClinVar:

ClinVar aggregate classification (germline): Uncertain significance. Review status: criteria provided, multiple submitters, no conflicts (2 of 4 stars). 2 submissions from 2 submitters: Uncertain significance (2). Last evaluated 2025-06-15.

Conditions:
Dyskeratosis congenita, autosomal dominant 2. Identifiers: MedGen C3151443, MONDO:0013521, OMIM 613989.
Idiopathic Pulmonary Fibrosis. Also called: Idiopathic fibrosing alveolitis, chronic form; idiopathic fibrosing alveolitis. Identifiers: Orphanet 2032, MedGen C1800706, MeSH D054990, MONDO:0800504.
Dyskeratosis congenita. Identifiers: Orphanet 1775, MedGen C0265965, MONDO:0015780.

Submissions (2):

Labcorp Genetics (formerly Invitae), Labcorp
Classification: Uncertain significance for Dyskeratosis congenita, autosomal dominant 2; Idiopathic Pulmonary Fibrosis. Last evaluated: 2025-06-15. Review status: criteria provided, single submitter. Criteria: Invitae Variant Classification Sherloc (09022015). Collection method: clinical testing. Allele origin: germline.
Comment: This sequence change replaces serine, which is neutral and polar, with threonine, which is neutral and polar, at codon 957 of the TERT protein (p.Ser957Thr). This variant is not present in population databases (gnomAD no frequency). This variant has not been reported in the literature in individuals affected with TERT-related conditions. ClinVar contains an entry for this variant (Variation ID: 3455215). Invitae Evidence Modeling of protein sequence and biophysical properties (such as structural, functional, and spatial information, amino acid conservation, physicochemical variation, residue mobility, and thermodynamic stability) has been performed for this missense variant. However, the output from this modeling did not meet the statistical confidence thresholds required to predict the impact of this variant on TERT protein function. In summary, the available evidence is currently insufficient to determine the role of this variant in disease. Therefore, it has been classified as a Variant of Uncertain Significance.

Ambry Genetics
Classification: Uncertain significance for Dyskeratosis congenita. Last evaluated: 2024-11-02. Review status: criteria provided, single submitter. Criteria: Ambry Variant Classification Scheme 2023. Collection method: clinical testing. Allele origin: germline.
Comment: The p.S957T variant (also known as c.2870G>C), located in coding exon 12 of the TERT gene, results from a G to C substitution at nucleotide position 2870. The serine at codon 957 is replaced by threonine, an amino acid with similar properties. This amino acid position is conserved. In addition, this alteration is predicted to be tolerated by in silico analysis. Based on the available evidence, the clinical significance of this variant remains unclear.

NM_198253.3(TERT):c.2870G>C (p.Ser957Thr)

Gene: TERT (telomerase reverse transcriptase; minus strand). Cytogenetic location: 5p15.33.
Variant type: single nucleotide variant.
Coding change: c.2870G>C on transcript NM_198253.3 (MANE Select); coding-DNA position 2870, G replaced by C.
Protein change: p.Ser957Thr; replaces serine 957 with threonine.
Molecular consequence: missense variant. On other transcripts: non-coding transcript variant (2).
Genome position (GRCh38, 1-based): chr5:1,260,574, C>G on the plus strand (G>C on the coding strand, the complement: TERT is on the minus strand). VCF-style: chr5-1260574-C-G. GRCh37 (hg19) VCF-style: chr5-1260689-C-G.
Other names: c.2681G>C, p.Ser894Thr (NM_001193376.3); short protein forms S957T, S894T.
Identifiers: ClinVar variation 3455215 (VCV003455215.2).